The following is an entry in ClinVar:

NM_004252.5(NHERF1):c.85C>A (p.His29Asn)

Genes: NHERF1 (NHERF family PDZ scaffold protein 1; plus strand), SLC9A3R1-AS1 (SLC9A3R1 antisense RNA 1; minus strand). Cytogenetic location: 17q25.1.
Variant type: single nucleotide variant.
Coding change: c.85C>A on transcript NM_004252.5 (MANE Select); coding-DNA position 85, C replaced by A.
Protein change: p.His29Asn; replaces histidine 29 with asparagine.
Molecular consequence: missense variant.
Genome position (GRCh38, 1-based): chr17:74,748,931, C>A. VCF-style: chr17-74748931-C-A. GRCh37 (hg19) VCF-style: chr17-72745070-C-A.
Other names: c.85C>A (NM_004252.4, NM_004252.3); short protein forms H29N.
Identifiers: ClinVar variation 1653202 (VCV001653202.10), dbSNP rs765897805, ClinGen allele CA8750530.
Genomic context (GRCh38, chr17:74,748,931, plus strand): 5'-GCGCCCCTGCCCCGGCTCTGCTGCCTGGAGAAGGGTCCGAACGGCTACGGCTTCCACCTG[C>A]ACGGGGAGAAGGGCAAGTTGGGCCAGTACATCCGGCTGGTGGAGCCCGGCTCGCCGGCCG-3'
Protein context (NP_004243.1, residues 19-39): KGPNGYGFHL[His29Asn]GEKGKLGQYI

ClinVar aggregate classification (germline): Conflicting classifications of pathogenicity. Review status: criteria provided, conflicting classifications (1 of 4 stars). 4 submissions from 4 submitters: Uncertain significance (1); Likely benign (2). 1 of the submissions does not count toward it. Last evaluated 2024-12-24.

Conditions:
NHERF1-related disorder. Also called: NHERF1-related condition.
Hypophosphatemic nephrolithiasis/osteoporosis 2. Identifiers: Orphanet 244305, MedGen C2676782, MONDO:0012851, OMIM 612287.
Inborn genetic diseases. Identifiers: MedGen C0950123, MeSH D030342.

Allele frequency attached by ClinVar (database versions not stated): gnomAD 0.00002; gnomAD exomes 0.00006 and 0.00022; TOPMed 0.00011; ExAC 0.00029.
gnomAD v4.1: 87 of 1,603,390 alleles (0.0054%); highest among the groups gnomAD compares: Admixed American, 0.079%; 1 homozygote.

Submissions (4):

Labcorp Genetics (formerly Invitae), Labcorp
Classification: Likely benign. Last evaluated: 2024-12-24. Review status: criteria provided, single submitter. Criteria: Invitae Variant Classification Sherloc (09022015). Collection method: clinical testing. Allele origin: germline.

Ambry Genetics
Classification: Uncertain significance for Inborn genetic diseases. Last evaluated: 2024-03-20. Review status: criteria provided, single submitter. Criteria: Ambry Variant Classification Scheme 2023. Collection method: clinical testing. Allele origin: germline.

Fulgent Genetics
Classification: Likely benign for Hypophosphatemic nephrolithiasis/osteoporosis 2. Last evaluated: 2021-07-08. Review status: criteria provided, single submitter. Criteria: ACMG Guidelines, 2015. Collection method: clinical testing. Allele origin: unknown.

PreventionGenetics, part of Exact Sciences
Classification: Likely benign for NHERF1-related condition. Last evaluated: 2024-04-04. Review status: no assertion criteria provided. Collection method: clinical testing. Allele origin: germline. Not counted in ClinVar's aggregate classification.
Comment: This variant is classified as likely benign based on ACMG/AMP sequence variant interpretation guidelines (Richards et al. 2015 PMID: 25741868, with internal and published modifications).